The following is an entry in ClinVar:

ClinVar aggregate classification (germline): Uncertain significance (1 of 4 stars; one submission).

Conditions:
Hereditary cancer-predisposing syndrome. Also called: Neoplastic Syndromes, Hereditary; Tumor predisposition; Hereditary Cancer Syndrome; Hereditary neoplastic syndrome. Identifiers: Orphanet 140162, MedGen C0027672, MeSH D009386, MONDO:0015356.

Submission:

Ambry Genetics
Classification: Uncertain significance for Hereditary cancer-predisposing syndrome. Last evaluated: 2020-08-25. Review status: criteria provided, single submitter. Criteria: Ambry Variant Classification Scheme 2023. Collection method: clinical testing. Allele origin: germline.
Comment: The p.G1280D variant (also known as c.3839G>A), located in coding exon 26 of the SMARCA4 gene, results from a G to A substitution at nucleotide position 3839. The glycine at codon 1280 is replaced by aspartic acid, an amino acid with similar properties. This missense alteration is located in a region that has a low rate of benign missense variation (Lek M et al. Nature. 2016 Aug 18;536(7616):285-91; DECIPHER: Database of Chromosomal Imbalance and Phenotype in Humans using Ensembl Resources. Firth H.V. et al. 2009. Am.J.Hum.Genet. 84, 524-533 (DOI)). This amino acid position is well conserved in available vertebrate species. In addition, the in silico prediction for this alteration is inconclusive. Since supporting evidence is limited at this time, the clinical significance of this alteration remains unclear.

NM_003072.5(SMARCA4):c.3839G>A (p.Gly1280Asp)

Gene: SMARCA4 (SWI/SNF related BAF chromatin remodeling complex subunit ATPase 4; plus strand). Cytogenetic location: 19p13.2.
Variant type: single nucleotide variant.
Coding change: c.3839G>A on transcript NM_003072.5 (MANE Select); coding-DNA position 3839, G replaced by A.
Protein change: p.Gly1280Asp; replaces glycine 1280 with aspartic acid.
Molecular consequence: missense variant. On other transcripts: intron variant (5).
Genome position (GRCh38, 1-based): chr19:11,033,831, G>A. VCF-style: chr19-11033831-G-A. GRCh37 (hg19) VCF-style: chr19-11144507-G-A.
Other names: c.3839G>A, p.Gly1280Asp (NM_001128844.3, NM_001128849.3, NM_001387283.1); c.3775-292G>A (NM_001128847.4, NM_001374457.1, NM_001128845.2 and 2 more transcripts); short protein forms G1280D.
Identifiers: ClinVar variation 1735404 (VCV001735404.2), dbSNP rs2146667156, ClinGen allele CA404066703.